The following is an entry in ClinVar:

NM_006329.4(FBLN5):c.247C>A (p.Pro83Thr)

Gene: FBLN5 (fibulin 5; minus strand). Cytogenetic location: 14q32.12.
Variant type: single nucleotide variant.
Coding change: c.247C>A on transcript NM_006329.4 (MANE Select); coding-DNA position 247, C replaced by A.
Protein change: p.Pro83Thr; replaces proline 83 with threonine.
Molecular consequence: missense variant.
Genome position (GRCh38, 1-based): chr14:91,937,079, G>T on the plus strand (C>A on the coding strand, the complement: FBLN5 is on the minus strand). VCF-style: chr14-91937079-G-T. GRCh37 (hg19) VCF-style: chr14-92403423-G-T.
Other names: c.370C>A, p.Pro124Thr (NM_001384158.1); c.298C>A, p.Pro100Thr (NM_001384159.1); c.247C>A, p.Pro83Thr (NM_001384160.1); c.79C>A, p.Pro27Thr (NM_001384161.1, NM_001384162.1); short protein forms P100T, P124T, P27T, P83T.
Identifiers: ClinVar variation 3353248 (VCV003353248.1).

ClinVar aggregate classification (germline): Uncertain significance (0 of 4 stars; one submission).

Conditions:
FBLN5-related disorder. Also called: FBLN5-related condition.

Submission:

PreventionGenetics, part of Exact Sciences
Classification: Uncertain significance for FBLN5-related condition. Last evaluated: 2024-06-18. Review status: no assertion criteria provided. Collection method: clinical testing. Allele origin: germline.
Comment: The FBLN5 c.247C>A variant is predicted to result in the amino acid substitution p.Pro83Thr. To our knowledge, this variant has not been reported in the literature or in a large population database, indicating this variant is rare. At this time, the clinical significance of this variant is uncertain due to the absence of conclusive functional and genetic evidence.